The following is an entry in ClinVar:

ClinVar aggregate classification (germline): Likely pathogenic (1 of 4 stars; one submission).

Conditions:
Cerebral cavernous malformation (CCM). Also called: Cerebral cavernous hemangioma (type); Cavernous Hemangioma of Brain; CAVERNOUS ANGIOMA, FAMILIAL; CAVERNOUS ANGIOMATOUS MALFORMATIONS; CEREBRAL CAPILLARY MALFORMATIONS; Cerebral cavernous malformations. Identifiers: Orphanet 221061, MedGen C2919945, MONDO:0000820, OMIM 116860, HP:0033522.

Submission:

Labcorp Genetics (formerly Invitae), Labcorp
Classification: Likely pathogenic for Cerebral cavernous malformation. Last evaluated: 2023-09-04. Review status: criteria provided, single submitter. Criteria: Invitae Variant Classification Sherloc (09022015). Collection method: clinical testing. Allele origin: unknown.
Comment: In summary, the currently available evidence indicates that the variant is pathogenic, but additional data are needed to prove that conclusively. Therefore, this variant has been classified as Likely Pathogenic. This variant disrupts a region of the KRIT1 protein in which other variant(s) (p.Leu722*) have been observed in individuals with KRIT1-related conditions (Invitae). This suggests that this is a clinically significant region of the protein, and that variants that disrupt it are likely to be disease-causing. A similar copy number variant has been observed in individual(s) with cavernous malformations (Invitae). This variant is a gross deletion of the genomic region encompassing exon(s) 20 of the KRIT1 gene, which includes the termination codon. This deletion extends beyond the assayed region for this gene and therefore may encompass additional genes. While this deletion is not anticipated to lead to nonsense mediated decay, it is expected to alter mRNA translation or result in a truncated protein product.

NC_000007.13:g.(?_91830050)_(91830138_?)del

Gene: KRIT1 (KRIT1 ankyrin repeat containing; minus strand). Cytogenetic location: 7q21.2.
Variant type: Deletion.
Identifiers: ClinVar variation 3245753 (VCV003245753.1).